The following is an entry in ClinVar:

NM_023110.3(FGFR1):c.979_983del (p.His327fs)

Gene: FGFR1 (fibroblast growth factor receptor 1; minus strand). Cytogenetic location: 8p11.23.
Variant type: Deletion.
Coding change: c.979_983del on transcript NM_023110.3 (MANE Select); coding-DNA positions 979 to 983, 5 bases deleted (CACTT; older notation c.979_983delCACTT).
Protein change: p.His327fs; shifts the reading frame from histidine 327.
Molecular consequence: frameshift variant.
Genome position (GRCh38, 1-based): chr8:38,421,895-38,421,899, AAGTG deleted on the plus strand (CACTT on the coding strand, the reverse complement: FGFR1 is on the minus strand); deleting any 5 consecutive bases within chr8:38,421,895-38,421,902 gives the same sequence; the c. name uses the placement nearest the transcript's 3' end. VCF-style (leftmost placement, unchanged base first): chr8-38421894-TAAGTG-T. GRCh37 (hg19) VCF-style: chr8-38279412-TAAGTG-T.
Other names: c.979_983del, p.His327fs (NM_001174063.2); c.955_959del, p.His319fs (NM_001174064.2); c.973_977del, p.His325fs (NM_001174065.2, NM_001354367.2, NM_001354369.2 and 1 more transcripts); c.712_716del, p.His238fs (NM_001174066.2, NM_023105.3); c.1072_1076del, p.His358fs (NM_001174067.2); c.706_710del, p.His236fs (NM_001354368.2, NM_001354370.2, NM_023106.3); short protein forms H236fs, H238fs, H319fs, H325fs, H327fs, H358fs.
Identifiers: ClinVar variation 1074220 (VCV001074220.5), dbSNP rs2150757205, ClinGen allele CA2499219289.
Genomic context (GRCh38, chr8:38,421,894, plus strand): 5'-TCCGATAGAGTTACCCGCCAAGCACGTATACTCCCCTGCGTCCTCAAAGGAGACATTTCT[TAAGTG>T]AAGCACCTCCATCTCTTTGTCGGTGGTATTAACTCCAGCAGTCTAGAAGAGACAACGGAA-3'

ClinVar aggregate classification (germline): Pathogenic (1 of 4 stars; one submission).

Conditions:
Hypogonadotropic hypogonadism 2 with or without anosmia (HH2). Also called: HYPOGONADOTROPIC HYPOGONADISM 2 WITHOUT ANOSMIA; FGFR1-Related GnRH Deficiency (Kallmann Syndrome 2); HYPOGONADOTROPIC HYPOGONADISM 2 WITH OR WITHOUT ANOSMIA, SUSCEPTIBILITY TO; HYPOGONADOTROPIC HYPOGONADISM 2 WITHOUT ANOSMIA, SUSCEPTIBILITY TO. Identifiers: Orphanet 478, MedGen C1563720, MONDO:0007844, OMIM 147950. Disease mechanism: loss of function.
Pfeiffer syndrome (ACS5). Also called: ACS V. Identifiers: Orphanet 710, MedGen C0220658, MONDO:0007043, OMIM 101600.

Submission:

Labcorp Genetics (formerly Invitae), Labcorp
Classification: Pathogenic for Pfeiffer syndrome; Hypogonadotropic hypogonadism 2 with or without anosmia. Last evaluated: 2020-09-24. Review status: criteria provided, single submitter. Criteria: Invitae Variant Classification Sherloc (09022015). Collection method: clinical testing. Allele origin: germline.
Comment: This sequence change creates a premature translational stop signal (p.His327Lysfs*6) in the FGFR1 gene. It is expected to result in an absent or disrupted protein product. This variant is not present in population databases (ExAC no frequency). This variant has not been reported in the literature in individuals with FGFR1-related conditions. Loss-of-function variants in FGFR1 are known to be pathogenic (PMID: 12627230). For these reasons, this variant has been classified as Pathogenic.

Literature cited by the submitters: PubMed 12627230.